The following is an entry in ClinVar:

ClinVar aggregate classification (germline): Pathogenic/Likely pathogenic. Review status: criteria provided, multiple submitters, no conflicts (2 of 4 stars). 8 submissions from 7 submitters: Pathogenic (7); Likely pathogenic (1). Last evaluated 2025-09-13.

Conditions:
Retinitis pigmentosa 39 (RP39). Identifiers: Orphanet 791, MedGen C3151138, MONDO:0013436, OMIM 613809.
Usher syndrome type 2A. Also called: USHER SYNDROME, TYPE IIA; RETINAL DISEASE IN USHER SYNDROME TYPE IIA, MODIFIER OF. Identifiers: Orphanet 231178, Orphanet 886, MedGen C1848634, MONDO:0010169, OMIM 276901.
USH2A-related disorder. Also called: USH2A-related disorders; USH2A-related condition. Identifiers: MedGen CN239332.

Allele frequency attached by ClinVar (database versions not stated): ExAC 0.00001; gnomAD 0.00001; gnomAD exomes 0.00001 and 0.00002; TOPMed 0.00001.
gnomAD v4.1: 6 of 1,613,586 alleles (0.00037%); highest among the groups gnomAD compares: East Asian, 0.011%; no homozygotes.

Submissions (8):

Labcorp Genetics (formerly Invitae), Labcorp
Classification: Pathogenic. Last evaluated: 2025-09-13. Review status: criteria provided, single submitter. Criteria: Invitae Variant Classification Sherloc (09022015). Collection method: clinical testing. Allele origin: germline.
Comment: This sequence change replaces glycine, which is neutral and non-polar, with arginine, which is basic and polar, at codon 1526 of the USH2A protein (p.Gly1526Arg). This variant is present in population databases (rs769198746, gnomAD 0.02%). This missense change has been observed in individual(s) with Usher syndrome and retinitis pigmentosa (PMID: 25356976, 26310143, 30948794). In at least one individual the data is consistent with being in trans (on the opposite chromosome) from a pathogenic variant. ClinVar contains an entry for this variant (Variation ID: 867207). Invitae Evidence Modeling of protein sequence and biophysical properties (such as structural, functional, and spatial information, amino acid conservation, physicochemical variation, residue mobility, and thermodynamic stability) indicates that this missense variant is expected to disrupt USH2A protein function with a positive predictive value of 95%. Algorithms developed to predict the effect of sequence changes on RNA splicing suggest that this variant may disrupt the consensus splice site. For these reasons, this variant has been classified as Pathogenic.

Natera, Inc.
Classification: Pathogenic for Usher syndrome type 2A. Last evaluated: 2025-09-10. Review status: criteria provided, single submitter. Criteria: Natera Variant Classification Schema (03/2026). Collection method: clinical testing. Allele origin: germline.
Comment: The c.4576G>A variant in USH2A is a missense variant predicted to cause substitution of glycine to arginine at amino acid 1526. This variant is rare in the general population with a frequency below the threshold expected for the associated phenotype(s). This variant has been observed in one or more individuals affected with the associated recessive disease, as either homozygous or compound heterozygous with a second variant (PMID: 25356976, 26310143). Computational prediction algorithms indicate this variant is likely to affect gene or protein function. Given the available evidence, this variant is classified as Pathogenic.

Baylor Genetics
Classification: Pathogenic for Retinitis pigmentosa 39. Last evaluated: 2023-12-27. Review status: criteria provided, single submitter. Criteria: ACMG Guidelines, 2015. Collection method: clinical testing. Allele origin: unknown.

Genome-Nilou Lab
Classification: Pathogenic for Retinitis pigmentosa 39. Last evaluated: 2023-11-04. Review status: criteria provided, single submitter. Criteria: ACMG Guidelines, 2015. Collection method: clinical testing. Allele origin: germline. Affected: no.

Genome-Nilou Lab
Classification: Pathogenic for Usher syndrome type 2A. Last evaluated: 2023-11-04. Review status: criteria provided, single submitter. Criteria: ACMG Guidelines, 2015. Collection method: clinical testing. Allele origin: germline. Affected: no.

Blueprint Genetics
Classification: Pathogenic for USH2A-related disorders. Last evaluated: 2022-06-16. Review status: criteria provided, single submitter. Criteria: ACMG Guidelines, 2015. Collection method: clinical testing. Allele origin: germline. Affected: yes. Observed: 4 variant alleles.

3billion
Classification: Pathogenic for Usher syndrome type 2A. Last evaluated: 2022-05-22. Review status: criteria provided, single submitter. Criteria: ACMG Guidelines, 2015. Collection method: clinical testing. Allele origin: germline. Affected: yes. Observed: 1 heterozygote.
Comment: Same nucleotide change resulting in same amino acid change has been previously reported as pathogenic/likely pathogenic with strong evidence (ClinVar ID: VCV000867207). The variant has been reported to be in trans with a pathogenic variant as either compound heterozygous or homozygous in at least 2 similarly affected unrelated individuals (PMID: 25356976, 26310143). It is observed at an extremely low frequency in the gnomAD v2.1.1 dataset (total allele frequency: 0.002%). In silico tool predictions suggest damaging effect of the variant on gene or gene product (REVEL: 0.62; 3Cnet: 3CNET). Therefore, this variant is classified as pathogenic according to the recommendation of ACMG/AMP guideline.

Juno Genomics, Hangzhou Juno Genomics, Inc
Classification: Likely pathogenic for Usher syndrome type 2A; Retinitis pigmentosa 39. Review status: criteria provided, single submitter. Criteria: ACMG Guidelines, 2015. Collection method: clinical testing. Allele origin: germline.
Comment: For recessive disorders, detected in trans with a pathogenic variant.;Multiple lines of computational evidence support a deleterious effect on the gene or gene product.

Literature cited by the submitters: PubMed 25356976 (cited by 3 submitters); PubMed 26310143 (cited by 3 submitters); PubMed 30948794 (cited by Labcorp Genetics (formerly Invitae), Labcorp).

NM_206933.4(USH2A):c.4576G>A (p.Gly1526Arg)

Gene: USH2A (usherin; minus strand). Cytogenetic location: 1q41.
Variant type: single nucleotide variant.
Coding change: c.4576G>A on transcript NM_206933.4 (MANE Select); coding-DNA position 4576, G replaced by A.
Protein change: p.Gly1526Arg; replaces glycine 1526 with arginine.
Molecular consequence: missense variant.
Genome position (GRCh38, 1-based): chr1:216,175,303, C>T on the plus strand (G>A on the coding strand, the complement: USH2A is on the minus strand). VCF-style: chr1-216175303-C-T. GRCh37 (hg19) VCF-style: chr1-216348645-C-T.
Other names: c.4576G>A, p.Gly1526Arg (NM_007123.6); short protein forms G1526R.
Identifiers: ClinVar variation 867207 (VCV000867207.16), dbSNP rs769198746, ClinGen allele CA1395688.